The following is an entry in ClinVar:

NM_024876.4(COQ8B):c.1516dup (p.Ile506fs)

Gene: COQ8B (coenzyme Q8B; minus strand). Cytogenetic location: 19q13.2.
Variant type: Duplication.
Coding change: c.1516dup on transcript NM_024876.4 (MANE Select); coding-DNA position 1516, one base duplicated (A; older notation c.1516dupA).
Protein change: p.Ile506fs; shifts the reading frame from isoleucine 506.
Molecular consequence: frameshift variant.
Genome position (GRCh38, 1-based): chr19:40,692,154, T duplicated on the plus strand (A on the coding strand, the reverse complement: COQ8B is on the minus strand). VCF-style (leftmost placement, unchanged base first): chr19-40692153-A-AT. GRCh37 (hg19) VCF-style: chr19-41198058-A-AT.
Other names: c.1393dup, p.Ile465fs (NM_001142555.3); short protein forms I465fs, I506fs.
Identifiers: ClinVar variation 2199462 (VCV002199462.2), dbSNP rs2515470959, ClinGen allele CA2580097272.
Genomic context (GRCh38, chr19:40,692,153, plus strand): 5'-TCTGGCTGGCGACTGGCCCAGTAGCGGTGGTAGGTGTCCTGGAAGAGGTCCCTGCAGGCG[A>AT]TGTGGGCTCGGAGGTGGGCACAGGCCAGGAAAGCCCCTGCCAGCTTGCGGTGCAGGGCAT-3'

ClinVar aggregate classification (germline): Uncertain significance (1 of 4 stars; one submission).

Submission:

Labcorp Genetics (formerly Invitae), Labcorp
Classification: Uncertain significance. Last evaluated: 2022-04-15. Review status: criteria provided, single submitter. Criteria: Invitae Variant Classification Sherloc (09022015). Collection method: clinical testing. Allele origin: germline.
Comment: This sequence change results in a frameshift in the COQ8B gene (p.Ile506Asnfs*57). While this is not anticipated to result in nonsense mediated decay, it is expected to disrupt the last 39 amino acid(s) of the COQ8B protein and extend the protein by 17 additional amino acid residues. This variant is not present in population databases (gnomAD no frequency). This variant has not been reported in the literature in individuals affected with COQ8B-related conditions. Experimental studies and prediction algorithms are not available or were not evaluated, and the functional significance of this variant is currently unknown. In summary, the available evidence is currently insufficient to determine the role of this variant in disease. Therefore, it has been classified as a Variant of Uncertain Significance.